The following is an entry in ClinVar:

NM_058195.4(CDKN2A):c.135C>A (p.Leu45=)

Gene: CDKN2A (cyclin dependent kinase inhibitor 2A; minus strand). Cytogenetic location: 9p21.3.
Variant type: single nucleotide variant.
Coding change: c.135C>A on transcript NM_058195.4 (MANE Plus Clinical); coding-DNA position 135, C replaced by A.
Protein change: p.Leu45=; no amino-acid change (leucine 45 retained).
Molecular consequence: synonymous variant. On other transcripts: intron variant (1).
Genome position (GRCh38, 1-based): chr9:21,994,197, G>T on the plus strand (C>A on the coding strand, the complement: CDKN2A is on the minus strand). VCF-style: chr9-21994197-G-T. GRCh37 (hg19) VCF-style: chr9-21994196-G-T.
Other names: c.-4+624C>A (NM_001363763.2).
Identifiers: ClinVar variation 532280 (VCV000532280.7), dbSNP rs766676234, ClinGen allele CA464100291.

ClinVar aggregate classification (germline): Conflicting classifications of pathogenicity. Review status: criteria provided, conflicting classifications (1 of 4 stars). 3 submissions from 3 submitters: Uncertain significance (1); Benign (1); Likely benign (1). Last evaluated 2026-04-21.

Conditions:
Hereditary cancer-predisposing syndrome. Also called: Hereditary Cancer Syndrome; Neoplastic Syndromes, Hereditary; Tumor predisposition; Hereditary neoplastic syndrome. Identifiers: Orphanet 140162, MedGen C0027672, MeSH D009386, MONDO:0015356.
Familial melanoma. Also called: Hereditary melanoma; Hereditary cutaneous melanoma. Identifiers: Orphanet 618, MedGen C1512419, MONDO:0018961.
Melanoma-pancreatic cancer syndrome. Identifiers: Orphanet 404560, MedGen C1838547, MONDO:0011713, OMIM 606719. Disease mechanism: loss of function.

gnomAD v4.1: 5 of 1,606,520 alleles (0.00031%); highest among the groups gnomAD compares: Non-Finnish European, 0.00042%; no homozygotes.

Submissions (3):

Ambry Genetics
Classification: Likely benign for Hereditary cancer-predisposing syndrome. Last evaluated: 2026-04-21. Review status: criteria provided, single submitter. Criteria: Ambry Variant Classification Scheme 2023. Collection method: clinical testing. Allele origin: germline.

Myriad Genetics, Inc.
Classification: Benign for Melanoma-pancreatic cancer syndrome. Last evaluated: 2025-08-12. Review status: criteria provided, single submitter. Criteria: Myriad Autosomal Dominant, Autosomal Recessive and X-Linked Classification Criteria (2023). Collection method: clinical testing. Allele origin: unknown.
Comment: This variant is considered benign. This variant is a silent/synonymous amino acid change and it is not expected to impact splicing.

Labcorp Genetics (formerly Invitae), Labcorp
Classification: Uncertain significance for Familial melanoma. Last evaluated: 2021-08-12. Review status: criteria provided, single submitter. Criteria: Invitae Variant Classification Sherloc (09022015). Collection method: clinical testing. Allele origin: germline.